The following is an entry in ClinVar:

NM_001384140.1(PCDH15):c.1489A>G (p.Ile497Val)

Gene: PCDH15 (protocadherin related 15; minus strand). Cytogenetic location: 10q21.1.
Variant type: single nucleotide variant.
Coding change: c.1489A>G on transcript NM_001384140.1 (MANE Select); coding-DNA position 1489, A replaced by G.
Protein change: p.Ile497Val; replaces isoleucine 497 with valine.
Molecular consequence: missense variant.
Genome position (GRCh38, 1-based): chr10:54,183,545, T>C on the plus strand (A>G on the coding strand, the complement: PCDH15 is on the minus strand). VCF-style: chr10-54183545-T-C. GRCh37 (hg19) VCF-style: chr10-55943305-T-C.
Other names: c.1504A>G, p.Ile502Val (NM_001142763.2, NM_001142771.2); c.1489A>G, p.Ile497Val (NM_001142764.2, NM_001142765.2, NM_001142766.2 and 6 more transcripts); c.1378A>G, p.Ile460Val (NM_001142767.2); c.1423A>G, p.Ile475Val (NM_001142768.2, NM_001142773.2, NM_001354404.2); c.1525A>G, p.Ile509Val (NM_001142769.4); c.1510A>G, p.Ile504Val (NM_001354411.2); short protein forms I460V, I497V, I475V, I504V, I509V, I502V.
Identifiers: ClinVar variation 1493588 (VCV001493588.8), dbSNP rs759034797, ClinGen allele CA376514667.

ClinVar aggregate classification (germline): Uncertain significance (1 of 4 stars; one submission).

gnomAD v4.1: 3 of 1,614,038 alleles (0.00019%); highest among the groups gnomAD compares: Middle Eastern, 0.017%; no homozygotes.

Submission:

Labcorp Genetics (formerly Invitae), Labcorp
Classification: Uncertain significance. Last evaluated: 2023-11-13. Review status: criteria provided, single submitter. Criteria: Invitae Variant Classification Sherloc (09022015). Collection method: clinical testing. Allele origin: germline.
Comment: This sequence change replaces isoleucine, which is neutral and non-polar, with valine, which is neutral and non-polar, at codon 497 of the PCDH15 protein (p.Ile497Val). This variant is not present in population databases (gnomAD no frequency). This variant has not been reported in the literature in individuals affected with PCDH15-related conditions. ClinVar contains an entry for this variant (Variation ID: 1493588). Advanced modeling of protein sequence and biophysical properties (such as structural, functional, and spatial information, amino acid conservation, physicochemical variation, residue mobility, and thermodynamic stability) performed at Invitae indicates that this missense variant is not expected to disrupt PCDH15 protein function with a negative predictive value of 80%. In summary, the available evidence is currently insufficient to determine the role of this variant in disease. Therefore, it has been classified as a Variant of Uncertain Significance.